The following is an entry in ClinVar:

NM_005559.4(LAMA1):c.4884C>A (p.Asn1628Lys)

Gene: LAMA1 (laminin subunit alpha 1; minus strand). Cytogenetic location: 18p11.31.
Variant type: single nucleotide variant.
Coding change: c.4884C>A on transcript NM_005559.4 (MANE Select); coding-DNA position 4884, C replaced by A.
Protein change: p.Asn1628Lys; replaces asparagine 1628 with lysine.
Molecular consequence: missense variant.
Genome position (GRCh38, 1-based): chr18:6,995,369, G>T on the plus strand (C>A on the coding strand, the complement: LAMA1 is on the minus strand). VCF-style: chr18-6995369-G-T. GRCh37 (hg19) VCF-style: chr18-6995368-G-T.
Other names: short protein forms N1628K.
Identifiers: ClinVar variation 1723445 (VCV001723445.2), dbSNP rs1209232470, ClinGen allele CA401844084.

ClinVar aggregate classification (germline): Uncertain significance. Review status: criteria provided, multiple submitters, no conflicts (2 of 4 stars). 2 submissions from 2 submitters: Uncertain significance (2). Last evaluated 2022-10-01.

Conditions:
LAMA1-related disorder. Also called: LAMA1-related disorders; LAMA1-related condition.

Allele frequency attached by ClinVar (database versions not stated): gnomAD exomes below 0.00001.
gnomAD v4.1: 1 of 1,612,350 alleles (0.000062%); highest among the groups gnomAD compares: South Asian, 0.0011%; no homozygotes.

Submissions (2):

Women's Health and Genetics/Laboratory Corporation of America, LabCorp
Classification: Uncertain significance. Last evaluated: 2022-10-01. Review status: criteria provided, single submitter. Criteria: LabCorp Variant Classification Summary - May 2015. Collection method: clinical testing. Allele origin: germline.
Comment: Variant summary: LAMA1 c.4884C>A (p.Asn1628Lys) results in a non-conservative amino acid change located in the Laminin alpha, domain I (IPR009254) of the encoded protein sequence. Four of five in-silico tools predict a benign effect of the variant on protein function. The variant allele was found at a frequency of 4e-06 in 251468 control chromosomes (gnomAD). The available data on variant occurrences in the general population are insufficient to allow any conclusion about variant significance. To our knowledge, no occurrence of c.4884C>A in individuals affected with Ataxia-Intellectual Disability-Oculomotor Apraxia-Cerebellar Cysts Syndrome and no experimental evidence demonstrating its impact on protein function have been reported. No clinical diagnostic laboratories have submitted clinical-significance assessments for this variant to ClinVar after 2014. Based on the evidence outlined above, the variant was classified as uncertain significance.

PreventionGenetics, part of Exact Sciences
Classification: Uncertain significance for LAMA1-related condition. Last evaluated: 2022-09-14. Review status: criteria provided, single submitter. Criteria: ACMG Guidelines, 2015. Collection method: clinical testing. Allele origin: germline.
Comment: The LAMA1 c.4884C>A variant is predicted to result in the amino acid substitution p.Asn1628Lys. To our knowledge, this variant has not been reported in the literature. This variant is reported in 0.0033% of alleles in individuals of South Asian descent in gnomAD. At this time, the clinical significance of this variant is uncertain due to the absence of conclusive functional and genetic evidence.